The following is an entry in ClinVar:

ClinVar aggregate classification (germline): Uncertain significance (1 of 4 stars; one submission).

gnomAD v4.1: 1 of 1,613,924 alleles (0.000062%); highest among the groups gnomAD compares: Non-Finnish European, 0.000085%; no homozygotes.

Submission:

Labcorp Genetics (formerly Invitae), Labcorp
Classification: Uncertain significance. Last evaluated: 2022-09-17. Review status: criteria provided, single submitter. Criteria: Invitae Variant Classification Sherloc (09022015). Collection method: clinical testing. Allele origin: germline.
Comment: In summary, the available evidence is currently insufficient to determine the role of this variant in disease. Therefore, it has been classified as a Variant of Uncertain Significance. This sequence change replaces arginine, which is basic and polar, with histidine, which is basic and polar, at codon 104 of the RIMS1 protein (p.Arg104His). This variant is not present in population databases (gnomAD no frequency). This variant has not been reported in the literature in individuals affected with RIMS1-related conditions. Algorithms developed to predict the effect of missense changes on protein structure and function are either unavailable or do not agree on the potential impact of this missense change (SIFT: "Deleterious"; PolyPhen-2: "Probably Damaging"; Align-GVGD: "Class C0").

NM_014989.7(RIMS1):c.311G>A (p.Arg104His)

Gene: RIMS1 (regulating synaptic membrane exocytosis 1; plus strand). Cytogenetic location: 6q13.
Variant type: single nucleotide variant.
Coding change: c.311G>A on transcript NM_014989.7 (MANE Select); coding-DNA position 311, G replaced by A.
Protein change: p.Arg104His; replaces arginine 104 with histidine.
Molecular consequence: missense variant.
Genome position (GRCh38, 1-based): chr6:72,097,014, G>A. VCF-style: chr6-72097014-G-A. GRCh37 (hg19) VCF-style: chr6-72806717-G-A.
Other names: c.308G>A, p.Arg103His (NM_001350411.1); c.230G>A, p.Arg77His (NM_001350412.1); c.311G>A, p.Arg104His (NM_001350413.1); short protein forms R103H, R104H, R77H.
Identifiers: ClinVar variation 1719651 (VCV001719651.5), dbSNP rs774461810, ClinGen allele CA364822486.